The following is an entry in ClinVar:

ClinVar aggregate classification (germline): Uncertain significance. Review status: criteria provided, multiple submitters, no conflicts (2 of 4 stars). 3 submissions from 3 submitters: Uncertain significance (3). Last evaluated 2024-06-12.

Conditions:
Autosomal recessive nonsyndromic hearing loss 4 (DFNB4). Also called: FOXI1-Related Pendred Syndrome; KCNJ10-Related Pendred Syndrome; Nonsyndromic enlarged vestibular aqueduct (NSEVA); Deafness, autosomal recessive 4, with enlarged vestibular aqueduct; Enlarged vestibular aqueduct, digenic; Deafness, autosomal recessive 4. Identifiers: Orphanet 90636, MedGen C3538946, MONDO:0010933, OMIM 600791.
Pendred syndrome (PDS). Also called: GOITER-DEAFNESS SYNDROME; HYPOTHYROIDISM, CONGENITAL, DUE TO DYSHORMONOGENESIS, 2B; DEAFNESS WITH GOITER; THYROID DYSHORMONOGENESIS 2B; THYROID HORMONOGENESIS, GENETIC DEFECT IN, 2B; Pendred's syndrome. Identifiers: Orphanet 705, MedGen C0271829, MONDO:0010134, OMIM 274600.
EAST syndrome (SESAMES). Also called: SEIZURES, SENSORINEURAL DEAFNESS, ATAXIA, IMPAIRED INTELLECTUAL DEVELOPMENT, AND ELECTROLYTE IMBALANCE. Identifiers: Orphanet 199343, MedGen C2748572, MONDO:0013005, OMIM 612780.
Inborn genetic diseases. Identifiers: MedGen C0950123, MeSH D030342.

Allele frequency attached by ClinVar (database versions not stated): TOPMed below 0.00001; gnomAD 0.00002.
gnomAD v4.1: 3 of 1,613,828 alleles (0.00019%); highest among the groups gnomAD compares: African/African-American, 0.004%; no homozygotes.

Submissions (3):

Labcorp Genetics (formerly Invitae), Labcorp
Classification: Uncertain significance for EAST syndrome. Last evaluated: 2024-06-12. Review status: criteria provided, single submitter. Criteria: Invitae Variant Classification Sherloc (09022015). Collection method: clinical testing. Allele origin: germline.
Comment: This sequence change replaces leucine, which is neutral and non-polar, with phenylalanine, which is neutral and non-polar, at codon 81 of the KCNJ10 protein (p.Leu81Phe). This variant is present in population databases (no rsID available, gnomAD 0.01%). This variant has not been reported in the literature in individuals affected with KCNJ10-related conditions. ClinVar contains an entry for this variant (Variation ID: 934084). Advanced modeling of protein sequence and biophysical properties (such as structural, functional, and spatial information, amino acid conservation, physicochemical variation, residue mobility, and thermodynamic stability) performed at Invitae indicates that this missense variant is not expected to disrupt KCNJ10 protein function with a negative predictive value of 80%. In summary, the available evidence is currently insufficient to determine the role of this variant in disease. Therefore, it has been classified as a Variant of Uncertain Significance.

Fulgent Genetics
Classification: Uncertain significance for Pendred syndrome; Autosomal recessive nonsyndromic hearing loss 4; EAST syndrome. Last evaluated: 2021-10-28. Review status: criteria provided, single submitter. Criteria: ACMG Guidelines, 2015. Collection method: clinical testing. Allele origin: unknown.

Ambry Genetics
Classification: Uncertain significance for Inborn genetic diseases. Last evaluated: 2019-04-25. Review status: criteria provided, single submitter. Criteria: Ambry Variant Classification Scheme 2023. Collection method: clinical testing. Allele origin: germline.
Comment: The p.L81F variant (also known as c.241C>T), located in coding exon 1 of the KCNJ10 gene, results from a C to T substitution at nucleotide position 241. The leucine at codon 81 is replaced by phenylalanine, an amino acid with highly similar properties. This amino acid position is highly conserved through mammals. In addition, the in silico prediction for this alteration is inconclusive. Since supporting evidence is limited at this time, the clinical significance of this alteration remains unclear.

NM_002241.5(KCNJ10):c.241C>T (p.Leu81Phe)

Gene: KCNJ10 (potassium inwardly rectifying channel subfamily J member 10; minus strand). Cytogenetic location: 1q23.2.
Variant type: single nucleotide variant.
Coding change: c.241C>T on transcript NM_002241.5 (MANE Select); coding-DNA position 241, C replaced by T.
Protein change: p.Leu81Phe; replaces leucine 81 with phenylalanine.
Molecular consequence: missense variant.
Genome position (GRCh38, 1-based): chr1:160,042,292, G>A on the plus strand (C>T on the coding strand, the complement: KCNJ10 is on the minus strand). VCF-style: chr1-160042292-G-A. GRCh37 (hg19) VCF-style: chr1-160012082-G-A.
Other names: short protein forms L81F.
Identifiers: ClinVar variation 934084 (VCV000934084.11), dbSNP rs939420346, ClinGen allele CA31471198.
Genomic context (GRCh38, chr1:160,042,292, plus strand): 5'-GGTCCAGCTCCAGCAGGTCCCCATGTGCCACAGCTACCAGATACCACACCACGCCAAAGA[G>A]GAACCATGTGCCTGCAAAGGTCGCAGAGAAGAGCAGAAGCTTGTAGCGCCACTGCATGTC-3'
Protein context (NP_002232.2, residues 71-91): FSATFAGTWF[Leu81Phe]FGVVWYLVAV